The following is an entry in ClinVar:

NM_012431.3(SEMA3E):c.232G>A (p.Val78Ile)

Gene: SEMA3E (semaphorin 3E; minus strand). Cytogenetic location: 7q21.11.
Variant type: single nucleotide variant.
Coding change: c.232G>A on transcript NM_012431.3 (MANE Select); coding-DNA position 232, G replaced by A.
Protein change: p.Val78Ile; replaces valine 78 with isoleucine.
Molecular consequence: missense variant.
Genome position (GRCh38, 1-based): chr7:83,490,158, C>T on the plus strand (G>A on the coding strand, the complement: SEMA3E is on the minus strand). VCF-style: chr7-83490158-C-T. GRCh37 (hg19) VCF-style: chr7-83119474-C-T.
Other names: c.52G>A, p.Val18Ile (NM_001178129.2); short protein forms V18I, V78I.
Identifiers: ClinVar variation 4986448 (VCV004986448.1).
Genomic context (GRCh38, chr7:83,490,158, plus strand): 5'-TTTGATATTTCTATACCTCTTTATAGCCGTCACTGATTCTCTCCAAGCTGAGGGAATATA[C>T]AAGGTCCCTGCCTCCCACGAAGAGCCTCTCTTGATATTCATCCAGCAGCATTGTATGGAG-3'
Protein context (NP_036563.1, residues 68-88): ERLFVGGRDL[Val78Ile]YSLSLERISD

ClinVar aggregate classification (germline): Uncertain significance (1 of 4 stars; one submission).

Conditions:
SEMA3E-related disorder. Also called: SEMA3E-related condition.

gnomAD v4.1: 1 of 1,612,976 alleles (0.000062%); highest among the groups gnomAD compares: Non-Finnish European, 0.000085%; no homozygotes.

Submission:

PreventionGenetics, part of Exact Sciences
Classification: Uncertain significance for SEMA3E-related condition. Last evaluated: 2024-12-31. Review status: criteria provided, single submitter. Criteria: ACMG Guidelines, 2015. Collection method: clinical testing. Allele origin: germline.
Comment: The SEMA3E c.232G>A variant is predicted to result in the amino acid substitution p.Val78Ile. To our knowledge, this variant has not been reported in the literature or in a large population database (gnomAD), indicating this variant is rare. At this time, the clinical significance of this variant is uncertain due to the absence of conclusive functional and genetic evidence.